The following is an entry in ClinVar:

NM_001854.4(COL11A1):c.4439G>T (p.Gly1480Val)

Gene: COL11A1 (collagen type XI alpha 1 chain; minus strand). Cytogenetic location: 1p21.1.
Variant type: single nucleotide variant.
Coding change: c.4439G>T on transcript NM_001854.4 (MANE Select); coding-DNA position 4439, G replaced by T.
Protein change: p.Gly1480Val; replaces glycine 1480 with valine.
Molecular consequence: missense variant. On other transcripts: non-coding transcript variant (1).
Genome position (GRCh38, 1-based): chr1:102,889,480, C>A on the plus strand (G>T on the coding strand, the complement: COL11A1 is on the minus strand). VCF-style: chr1-102889480-C-A. GRCh37 (hg19) VCF-style: chr1-103355036-C-A.
Other names: c.4322G>T, p.Gly1441Val (NM_001190709.2); c.4475G>T, p.Gly1492Val (NM_080629.3); c.4091G>T, p.Gly1364Val (NM_080630.4); short protein forms G1364V, G1441V, G1480V, G1492V.
Identifiers: ClinVar variation 1303391 (VCV001303391.6), dbSNP rs759091446, ClinGen allele CA341212629.

ClinVar aggregate classification (germline): Uncertain significance. Review status: criteria provided, multiple submitters, no conflicts (2 of 4 stars). 2 submissions from 2 submitters: Uncertain significance (2). Last evaluated 2024-03-02.

Allele frequency attached by ClinVar (database versions not stated): gnomAD 0.00001; TOPMed 0.00001.
gnomAD v4.1: 2 of 1,612,816 alleles (0.00012%); highest among the groups gnomAD compares: Non-Finnish European, 0.000085%; no homozygotes.

Submissions (2):

Labcorp Genetics (formerly Invitae), Labcorp
Classification: Uncertain significance. Last evaluated: 2024-03-02. Review status: criteria provided, single submitter. Criteria: Invitae Variant Classification Sherloc (09022015). Collection method: clinical testing. Allele origin: germline.
Comment: This sequence change replaces glycine, which is neutral and non-polar, with valine, which is neutral and non-polar, at codon 1480 of the COL11A1 protein (p.Gly1480Val). This variant is present in population databases (no rsID available, gnomAD 0.003%). This variant has not been reported in the literature in individuals affected with COL11A1-related conditions. ClinVar contains an entry for this variant (Variation ID: 1303391). Advanced modeling of protein sequence and biophysical properties (such as structural, functional, and spatial information, amino acid conservation, physicochemical variation, residue mobility, and thermodynamic stability) has been performed at Invitae for this missense variant, however the output from this modeling did not meet the statistical confidence thresholds required to predict the impact of this variant on COL11A1 protein function. In summary, the available evidence is currently insufficient to determine the role of this variant in disease. Therefore, it has been classified as a Variant of Uncertain Significance.

GeneDx
Classification: Uncertain significance. Last evaluated: 2021-03-16. Review status: criteria provided, single submitter. Criteria: GeneDx Variant Classification Process June 2021. Collection method: clinical testing. Allele origin: germline. Affected: yes.
Comment: Not observed at a significant frequency in large population cohorts (Lek et al., 2016); In silico analysis supports that this missense variant has a deleterious effect on protein structure/function; Has not been previously published as pathogenic or benign to our knowledge